The following is an entry in ClinVar:

ClinVar aggregate classification (germline): Pathogenic (1 of 4 stars; one submission).

Submission:

GeneDx
Classification: Pathogenic. Last evaluated: 2017-02-22. Review status: criteria provided, single submitter. Criteria: GeneDx Variant Classification (06012015). Collection method: clinical testing. Allele origin: germline. Affected: yes.
Comment: The D210Y pathogenic variant has been previously reported as an apparently de novo pathogenicvariant in a patient with an early-onset, progressive multisystemic disorder including: developmentaldelay, intellectual disability, microcephaly, failure to thrive, abnormal movements, sensorimotorneuropathy, optic atrophy and hearing loss (Renaldo et al., 2012). A skeletal muscle biopsy from theindividual with D210Y showed severe mitochondrial depletion (Burte et al., 2015). A different aminoacid substitution at this same position (D210V) has been reported in a family with optic atrophy,axonal neuropathy, and mitochondrial myopathy (Rouzier et al., 2012); skeletal muscle biopsy showedmitochondrial changes, but it did not show mitochondrial depletion (Burte et al., 2015). The D210Yvariant is not observed in large population cohorts (Lek et al., 2016; 1000 Genomes Consortium etal., 2015; Exome Variant Server). The D210Y variant is a non-conservative amino acid substitution,which occurs at a conserved position in the GTPase domain. In silico analysis predicts this variant isprobably damaging to the protein structure/function. Therefore, D210Y is interpreted to be apathogenic variant

NM_014874.4(MFN2):c.628G>T (p.Asp210Tyr)

Gene: MFN2 (mitofusin 2; plus strand). Cytogenetic location: 1p36.22.
Variant type: single nucleotide variant.
Coding change: c.628G>T on transcript NM_014874.4 (MANE Select); coding-DNA position 628, G replaced by T.
Protein change: p.Asp210Tyr; replaces aspartic acid 210 with tyrosine.
Molecular consequence: missense variant.
Genome position (GRCh38, 1-based): chr1:11,998,798, G>T. VCF-style: chr1-11998798-G-T. GRCh37 (hg19) VCF-style: chr1-12058855-G-T.
Other names: c.628G>T, p.Asp210Tyr (NM_001127660.2); short protein forms D210Y.
Identifiers: ClinVar variation 420142 (VCV000420142.2), dbSNP rs1064794315, ClinGen allele CA16616963.